The following is an entry in ClinVar:

NM_015909.4(NBAS):c.1037C>T (p.Ala346Val)

Gene: NBAS (NBAS subunit of NRZ tethering complex; minus strand). Cytogenetic location: 2p24.3.
Variant type: single nucleotide variant.
Coding change: c.1037C>T on transcript NM_015909.4 (MANE Select); coding-DNA position 1037, C replaced by T.
Protein change: p.Ala346Val; replaces alanine 346 with valine.
Molecular consequence: missense variant. On other transcripts: non-coding transcript variant (1).
Genome position (GRCh38, 1-based): chr2:15,488,940, G>A on the plus strand (C>T on the coding strand, the complement: NBAS is on the minus strand). VCF-style: chr2-15488940-G-A. GRCh37 (hg19) VCF-style: chr2-15629064-G-A.
Other names: short protein forms A346V.
Identifiers: ClinVar variation 1371342 (VCV001371342.25), dbSNP rs762296756, ClinGen allele CA1536823.

ClinVar aggregate classification (germline): Uncertain significance. Review status: criteria provided, multiple submitters, no conflicts (2 of 4 stars). 2 submissions from 2 submitters: Uncertain significance (2). Last evaluated 2024-02-01.

Allele frequency attached by ClinVar (database versions not stated): gnomAD exomes 0.00001 and 0.00004; ExAC 0.00002; gnomAD 0.00002 and 0.00003; TOPMed 0.00004.
gnomAD v4.1: 69 of 1,613,614 alleles (0.0043%); highest among the groups gnomAD compares: South Asian, 0.0055%; no homozygotes.

Submissions (2):

CeGaT Center for Human Genetics Tuebingen
Classification: Uncertain significance. Last evaluated: 2024-02-01. Review status: criteria provided, single submitter. Criteria: CeGaT Center For Human Genetics Tuebingen Variant Classification Criteria Version 2. Collection method: clinical testing. Allele origin: germline. Affected: yes. Observed: 1 variant allele.
Comment: NBAS: PM2, BP4

Labcorp Genetics (formerly Invitae), Labcorp
Classification: Uncertain significance. Last evaluated: 2022-08-16. Review status: criteria provided, single submitter. Criteria: Invitae Variant Classification Sherloc (09022015). Collection method: clinical testing. Allele origin: germline.
Comment: This sequence change replaces alanine, which is neutral and non-polar, with valine, which is neutral and non-polar, at codon 346 of the NBAS protein (p.Ala346Val). This variant is present in population databases (rs762296756, gnomAD 0.003%). This variant has not been reported in the literature in individuals affected with NBAS-related conditions. ClinVar contains an entry for this variant (Variation ID: 1371342). Algorithms developed to predict the effect of missense changes on protein structure and function (SIFT, PolyPhen-2, Align-GVGD) all suggest that this variant is likely to be disruptive. Algorithms developed to predict the effect of sequence changes on RNA splicing suggest that this variant may create or strengthen a splice site. In summary, the available evidence is currently insufficient to determine the role of this variant in disease. Therefore, it has been classified as a Variant of Uncertain Significance.